The following is an entry in ClinVar:

NM_016239.4(MYO15A):c.8340G>A (p.Thr2780=)

Gene: MYO15A (myosin XVA; plus strand). Cytogenetic location: 17p11.2.
Variant type: single nucleotide variant.
Coding change: c.8340G>A on transcript NM_016239.4 (MANE Select); coding-DNA position 8340, G replaced by A.
Protein change: p.Thr2780=; no amino-acid change (threonine 2780 retained).
Molecular consequence: synonymous variant.
Genome position (GRCh38, 1-based): chr17:18,155,225, G>A. VCF-style: chr17-18155225-G-A. GRCh37 (hg19) VCF-style: chr17-18058539-G-A.
Identifiers: ClinVar variation 236038 (VCV000236038.27), dbSNP rs878853228, ClinGen allele CA10581513.

ClinVar aggregate classification (germline): Pathogenic/Likely pathogenic. Review status: criteria provided, multiple submitters, no conflicts (2 of 4 stars). 5 submissions from 5 submitters: Pathogenic (3); Likely pathogenic (1). 1 of the submissions does not count toward it. Last evaluated 2025-03-21.

Conditions:
Autosomal recessive nonsyndromic hearing loss 3. Also called: NEUROSENSORY NONSYNDROMIC RECESSIVE DEAFNESS 3. Identifiers: Orphanet 90636, MedGen C1838263, MONDO:0010860, OMIM 600316.

Allele frequency attached by ClinVar (database versions not stated): gnomAD exomes below 0.00001 and 0.00001; gnomAD 0.00001; TOPMed 0.00001.
gnomAD v4.1: 7 of 1,613,840 alleles (0.00043%); highest among the groups gnomAD compares: South Asian, 0.0022%; no homozygotes.

Submissions (5):

GeneDx
Classification: Pathogenic. Last evaluated: 2025-03-21. Review status: criteria provided, single submitter. Criteria: GeneDx Variant Classification Process June 2021. Collection method: clinical testing. Allele origin: germline. Affected: yes.
Comment: Functional studies demonstrate this variant leads to intron retention that impairs splicing and results in a truncated non-functional protein (PMID: 30139988); Not observed at significant frequency in large population cohorts (gnomAD); This variant is associated with the following publications: (PMID: 35440622, 35346193, 36147510, 30139988, 38378725)

3billion
Classification: Likely pathogenic for Autosomal recessive nonsyndromic hearing loss 3. Last evaluated: 2024-03-12. Review status: criteria provided, single submitter. Criteria: ACMG Guidelines, 2015. Collection method: clinical testing. Allele origin: germline. Affected: yes.
Comment: The variant is observed at an extremely low frequency in the gnomAD v2.1.1 dataset (total allele frequency: <0.001%). Predicted Consequence/Location: Synonymous variant shown to affect splicing and result in a loss or disruption of normal protein function. In silico tools predict the variant to alter splicing and produce an abnormal transcript [Splice AI: 0.59 (spliceogenicity >=0.2, non-spliceogenicity <0.1)]. The variant has been reported at least twice as pathogenic without evidence for the classification (ClinVar ID: VCV000236038 /PMID: 30139988). Therefore, this variant is classified as Likely pathogenic according to the recommendation of ACMG/AMP guideline.

Labcorp Genetics (formerly Invitae), Labcorp
Classification: Pathogenic. Last evaluated: 2023-07-07. Review status: criteria provided, single submitter. Criteria: Invitae Variant Classification Sherloc (09022015). Collection method: clinical testing. Allele origin: germline.
Comment: This variant has been observed in individuals with autosomal recessive deafness (PMID: 30139988, 35346193). It has also been observed to segregate with disease in related individuals. For these reasons, this variant has been classified as Pathogenic. Variants that disrupt the consensus splice site are a relatively common cause of aberrant splicing (PMID: 17576681, 9536098). Studies have shown that this variant is associated with altered splicing resulting in unknown protein product impact (PMID: 30139988). ClinVar contains an entry for this variant (Variation ID: 236038). This variant is present in population databases (no rsID available, gnomAD 0.003%). This sequence change affects codon 2780 of the MYO15A mRNA. It is a 'silent' change, meaning that it does not change the encoded amino acid sequence of the MYO15A protein. This variant also falls at the last nucleotide of exon 46, which is part of the consensus splice site for this exon.

Molecular Diagnosis Center for Deafness
Classification: Pathogenic for Autosomal recessive nonsyndromic hearing loss 3. Review status: criteria provided, single submitter. Criteria: ClinGen HL ACMG Specifications v1. Collection method: clinical testing. Allele origin: paternal. Observed: 3 variant alleles.

Laboratory of Prof. Karen Avraham, Tel Aviv University
Classification: Pathogenic for Autosomal recessive nonsyndromic hearing loss 3. Last evaluated: 2016-02-16. Review status: no assertion criteria provided. Collection method: research. Allele origin: germline. Affected: yes. Not counted in ClinVar's aggregate classification.
Comment: Congenital, profound HL

NSHL; recessive, DFNB3; Splice site, predict loss of exon 45 (116bp), leading to stop codon 2803 of 3531

Literature cited by the submitters: PubMed 30139988 (cited by 3billion and Labcorp Genetics (formerly Invitae), Labcorp); PubMed 35346193 (cited by Labcorp Genetics (formerly Invitae), Labcorp); PubMed 17576681 (cited by Labcorp Genetics (formerly Invitae), Labcorp); PubMed 9536098 (cited by Labcorp Genetics (formerly Invitae), Labcorp).